The following is an entry in ClinVar:

NM_004727.3(SLC24A1):c.2627A>C (p.Glu876Ala)

Gene: SLC24A1 (solute carrier family 24 member 1; plus strand). Cytogenetic location: 15q22.31.
Variant type: single nucleotide variant.
Coding change: c.2627A>C on transcript NM_004727.3 (MANE Select); coding-DNA position 2627, A replaced by C.
Protein change: p.Glu876Ala; replaces glutamic acid 876 with alanine.
Molecular consequence: missense variant.
Genome position (GRCh38, 1-based): chr15:65,650,776, A>C. VCF-style: chr15-65650776-A-C. GRCh37 (hg19) VCF-style: chr15-65943114-A-C.
Other names: c.2573A>C, p.Glu858Ala (NM_001301033.2, NM_001301032.1); c.2285A>C, p.Glu762Ala (NM_001411142.1); c.608A>C, p.Glu203Ala (NM_001254740.2); c.2627A>C, p.Glu876Ala (NM_001301031.1); short protein forms E203A, E762A, E876A, E858A.
Identifiers: ClinVar variation 1949636 (VCV001949636.5), dbSNP rs760980484, ClinGen allele CA7620164.

ClinVar aggregate classification (germline): Uncertain significance (1 of 4 stars; one submission).

Allele frequency attached by ClinVar (database versions not stated): gnomAD exomes below 0.00001; TOPMed below 0.00001; ExAC 0.00001.
gnomAD v4.1: 2 of 1,611,240 alleles (0.00012%); highest among the groups gnomAD compares: Admixed American, 0.0033%; no homozygotes.

Submission:

Labcorp Genetics (formerly Invitae), Labcorp
Classification: Uncertain significance. Last evaluated: 2022-10-04. Review status: criteria provided, single submitter. Criteria: Invitae Variant Classification Sherloc (09022015). Collection method: clinical testing. Allele origin: germline.
Comment: In summary, the available evidence is currently insufficient to determine the role of this variant in disease. Therefore, it has been classified as a Variant of Uncertain Significance. Algorithms developed to predict the effect of missense changes on protein structure and function (SIFT, PolyPhen-2, Align-GVGD) all suggest that this variant is likely to be tolerated. This variant has not been reported in the literature in individuals affected with SLC24A1-related conditions. The frequency data for this variant in the population databases is considered unreliable, as metrics indicate poor data quality at this position in the gnomAD database. This sequence change replaces glutamic acid, which is acidic and polar, with alanine, which is neutral and non-polar, at codon 876 of the SLC24A1 protein (p.Glu876Ala).